The following is an entry in ClinVar:

ClinVar aggregate classification (germline): Uncertain significance (1 of 4 stars; one submission).

Allele frequency attached by ClinVar (database versions not stated): gnomAD exomes below 0.00001.
gnomAD v4.1: 1 of 1,126,646 alleles (0.000089%); highest among the groups gnomAD compares: Non-Finnish European, 0.00012%; no homozygotes.

Submission:

GeneDx
Classification: Uncertain significance. Last evaluated: 2016-10-18. Review status: criteria provided, single submitter. Criteria: GeneDx Variant Classification (06012015). Collection method: clinical testing. Allele origin: germline. Affected: yes.
Comment: The Pro420Leu variant has not been published as a mutation, nor has it been reported as a benign polymorphism to our knowledge. It was not observed in approximately 5,000 individuals of European and African American ancestry in the NHLBI Exome Sequencing Project, indicating it is not a common benign variant in these populations. The Pro420Leu variant is a semi-conservative amino acid substitution, which may impact secondary protein structure as these residues differ in some properties. This substitution occurs at a position that is conserved across species. In silico analysis is inconsistent in its predictions as to whether or not the variant is damaging to the protein structure/function. Therefore, based on the currently available information, it is unclear whether this variant is a pathogenic mutation or a rare benign variant. The variant is found in INFANT-EPI panel(s).

NM_139058.3(ARX):c.1259C>T (p.Pro420Leu)

Gene: ARX (aristaless related homeobox; minus strand). Cytogenetic location: Xp21.3.
Variant type: single nucleotide variant.
Coding change: c.1259C>T on transcript NM_139058.3 (MANE Select); coding-DNA position 1259, C replaced by T.
Protein change: p.Pro420Leu; replaces proline 420 with leucine.
Molecular consequence: missense variant.
Genome position (GRCh38, 1-based): chrX:25,007,300, G>A on the plus strand (C>T on the coding strand, the complement: ARX is on the minus strand). VCF-style: chrX-25007300-G-A. GRCh37 (hg19) VCF-style: chrX-25025417-G-A.
Other names: p.P420L:CCT>CTT; short protein forms P420L.
Identifiers: ClinVar variation 156674 (VCV000156674.1), dbSNP rs587783143, ClinGen allele CA294729.